The following is an entry in ClinVar:

NM_001365951.3(KIF1B):c.1355T>C (p.Val452Ala)

Gene: KIF1B (kinesin family member 1B; plus strand). Cytogenetic location: 1p36.22.
Variant type: single nucleotide variant.
Coding change: c.1355T>C on transcript NM_001365951.3 (MANE Select); coding-DNA position 1355, T replaced by C.
Protein change: p.Val452Ala; replaces valine 452 with alanine.
Molecular consequence: missense variant.
Genome position (GRCh38, 1-based): chr1:10,282,454, T>C. VCF-style: chr1-10282454-T-C. GRCh37 (hg19) VCF-style: chr1-10342512-T-C.
Other names: c.1217T>C, p.Val406Ala (NM_001365953.1, NM_015074.3, NM_183416.4); c.1355T>C, p.Val452Ala (NM_001365952.1); short protein forms V406A, V452A.
Identifiers: ClinVar variation 4844657 (VCV004844657.1).

ClinVar aggregate classification (germline): Uncertain significance (1 of 4 stars; one submission).

Submission:

Ambry Genetics
Classification: Uncertain significance. Last evaluated: 2026-01-16. Review status: criteria provided, single submitter. Criteria: Ambry Variant Classification Scheme 2023. Collection method: clinical testing. Allele origin: germline.
Comment: The p.V406A variant (also known as c.1217T>C), located in coding exon 12 of the KIF1B gene, results from a T to C substitution at nucleotide position 1217. The valine at codon 406 is replaced by alanine, an amino acid with similar properties. This amino acid position is conserved. In addition, this alteration is predicted to be tolerated by in silico analysis. Based on the available evidence, the clinical significance of this variant remains unclear.